The following is an entry in ClinVar:

NC_000018.9:g.(?_48565515)_(48591839_?)del

Gene: SMAD4 (SMAD family member 4; plus strand). Cytogenetic location: 18q21.2.
Variant type: Deletion.
Identifiers: ClinVar variation 3242739 (VCV003242739.1).

ClinVar aggregate classification (germline): Pathogenic (1 of 4 stars; one submission).

Conditions:
Juvenile polyposis syndrome (JPS). Identifiers: Orphanet 2929, MedGen C0345893, MONDO:0017380, OMIM 174900.

Submission:

Labcorp Genetics (formerly Invitae), Labcorp
Classification: Pathogenic for Juvenile polyposis syndrome. Last evaluated: 2023-07-18. Review status: criteria provided, single submitter. Criteria: Invitae Variant Classification Sherloc (09022015). Collection method: clinical testing. Allele origin: unknown.
Comment: For these reasons, this variant has been classified as Pathogenic. This variant has not been reported in the literature in individuals affected with SMAD4-related conditions. This variant results in the deletion of exon(s) 2-8 and part of exon 9 (NM_005359.5:c.-127-7775_1002delinsCA) of the SMAD4 gene. It is expected to result in an absent or disrupted protein product. Loss-of-function variants in SMAD4 are known to be pathogenic (PMID: 16152648, 16436638, 22810475).

Literature cited by the submitters: PubMed 16152648; PubMed 16436638; PubMed 22810475.